The following is an entry in ClinVar:

ClinVar aggregate classification (germline): Benign/Likely benign. Review status: criteria provided, multiple submitters, no conflicts (2 of 4 stars). 5 submissions from 5 submitters: Benign (2); Likely benign (1). 2 of the submissions do not count toward it. Last evaluated 2025-10-18.

Conditions:
Charcot-Marie-Tooth Neuropathy X. Identifiers: MedGen CN118851.
GJB1-related disorder. Also called: GJB1-related disorders; GJB1-related condition.
Charcot-Marie-Tooth disease. Also called: Charcot-Marie-Tooth Hereditary Neuropathy; Charcot-Marie-Tooth Neuropathy. Identifiers: Orphanet 166, MedGen C0007959, MONDO:0015626.

Allele frequency attached by ClinVar (database versions not stated): gnomAD 0.00003; gnomAD exomes 0.00017 and 0.00039; TOPMed 0.00019; ExAC 0.00033.
gnomAD v4.1: 74 of 1,199,656 alleles (0.0062%); highest among the groups gnomAD compares: Admixed American, 0.16%; 1 homozygote.

Submissions (5):

Labcorp Genetics (formerly Invitae), Labcorp
Classification: Benign for Charcot-Marie-Tooth Neuropathy X. Last evaluated: 2025-10-18. Review status: criteria provided, single submitter. Criteria: Invitae Variant Classification Sherloc (09022015). Collection method: clinical testing. Allele origin: germline.

Women's Health and Genetics/Laboratory Corporation of America, LabCorp
Classification: Benign. Last evaluated: 2025-01-14. Review status: criteria provided, single submitter. Criteria: LabCorp Variant Classification Summary - May 2015. Collection method: clinical testing. Allele origin: germline.

GeneDx
Classification: Likely benign. Last evaluated: 2018-05-18. Review status: criteria provided, single submitter. Criteria: GeneDx Variant Classification (06012015). Collection method: clinical testing. Allele origin: germline. Affected: yes.
Comment: This variant is considered likely benign or benign based on one or more of the following criteria: it is a conservative change, it occurs at a poorly conserved position in the protein, it is predicted to be benign by multiple in silico algorithms, and/or has population frequency not consistent with disease.

Natera, Inc.
Classification: Uncertain significance for Charcot-Marie-Tooth disease. Last evaluated: 2020-01-24. Review status: no assertion criteria provided. Collection method: clinical testing. Allele origin: germline. Not counted in ClinVar's aggregate classification.

PreventionGenetics, part of Exact Sciences
Classification: Likely benign for GJB1-related condition. Last evaluated: 2019-08-13. Review status: no assertion criteria provided. Collection method: clinical testing. Allele origin: germline. Not counted in ClinVar's aggregate classification.
Comment: This variant is classified as likely benign based on ACMG/AMP sequence variant interpretation guidelines (Richards et al. 2015 PMID: 25741868, with internal and published modifications).

NM_000166.6(GJB1):c.318A>G (p.Leu106=)

Gene: GJB1 (gap junction protein beta 1; plus strand). Cytogenetic location: Xq13.1.
Variant type: single nucleotide variant.
Coding change: c.318A>G on transcript NM_000166.6 (MANE Select); coding-DNA position 318, A replaced by G.
Protein change: p.Leu106=; no amino-acid change (leucine 106 retained).
Molecular consequence: synonymous variant.
Genome position (GRCh38, 1-based): chrX:71,224,025, A>G. VCF-style: chrX-71224025-A-G. GRCh37 (hg19) VCF-style: chrX-70443875-A-G.
Other names: c.318A>G, p.Leu106= (NM_001097642.3).
Identifiers: ClinVar variation 668257 (VCV000668257.16), dbSNP rs754804402, ClinGen allele CA10445292.
Genomic context (GRCh38, chrX:71,224,025, plus strand): 5'-CCCAGCTCTCCTCGTGGCCATGCACGTGGCTCACCAGCAACACATAGAGAAGAAAATGCT[A>G]CGGCTTGAGGGCCATGGGGACCCCCTACACCTGGAGGAGGTGAAGAGGCACAAGGTCCAC-3'
Protein context (NP_000157.1, residues 96-116): AHQQHIEKKM[Leu106=]RLEGHGDPLH